The following is an entry in ClinVar:

ClinVar aggregate classification (germline): Uncertain significance (0 of 4 stars; one submission).

Conditions:
UCP3-related disorder. Also called: UCP3-related condition.

Allele frequency attached by ClinVar (database versions not stated): gnomAD 0.00002; gnomAD exomes 0.00002; ExAC 0.00003; TOPMed 0.00004.

Submission:

PreventionGenetics, part of Exact Sciences
Classification: Uncertain significance for UCP3-related condition. Last evaluated: 2024-08-05. Review status: no assertion criteria provided. Collection method: clinical testing. Allele origin: germline.
Comment: The UCP3 c.921dupA variant is predicted to result in a frameshift and premature protein termination (p.Arg308Thrfs*22). To our knowledge, this variant has not been reported in the literature. This variant is reported in 0.046% of alleles in individuals of Latino descent in gnomAD. Loss of function is not an established mechanism of UCP3-associated disease. Furthermore, this variant resides in the final exon of this gene and it is unclear if the resulting mRNA would undergo nonsense mediated decay. Although we suspect that this variant may be pathogenic, at this time, the clinical significance of this variant is uncertain due to the absence of conclusive functional and genetic evidence.

NM_003356.4(UCP3):c.921dup (p.Arg308fs)

Gene: UCP3 (uncoupling protein 3; minus strand). Cytogenetic location: 11q13.4.
Variant type: Duplication.
Coding change: c.921dup on transcript NM_003356.4 (MANE Select); coding-DNA position 921, one base duplicated (A; older notation c.921dupA).
Protein change: p.Arg308fs; shifts the reading frame from arginine 308.
Molecular consequence: frameshift variant.
Genome position (GRCh38, 1-based): chr11:74,001,430, T duplicated on the plus strand (A on the coding strand, the reverse complement: UCP3 is on the minus strand). VCF-style (leftmost placement, unchanged base first): chr11-74001429-G-GT. GRCh37 (hg19) VCF-style: chr11-73712474-G-GT.
Other names: short protein forms R308fs.
Identifiers: ClinVar variation 3054305 (VCV003054305.2), dbSNP rs775759380, ClinGen allele CA6181307.